The following is an entry in ClinVar:

NM_004855.5(PIGB):c.659A>G (p.Lys220Arg)

Gene: PIGB (phosphatidylinositol glycan anchor biosynthesis class B; plus strand). Cytogenetic location: 15q21.3.
Variant type: single nucleotide variant.
Coding change: c.659A>G on transcript NM_004855.5 (MANE Select); coding-DNA position 659, A replaced by G.
Protein change: p.Lys220Arg; replaces lysine 220 with arginine.
Molecular consequence: missense variant.
Genome position (GRCh38, 1-based): chr15:55,333,872, A>G. VCF-style: chr15-55333872-A-G. GRCh37 (hg19) VCF-style: chr15-55626070-A-G.
Other names: short protein forms K220R.
Identifiers: ClinVar variation 1370646 (VCV001370646.6), dbSNP rs775201783, ClinGen allele CA392542323.

ClinVar aggregate classification (germline): Uncertain significance (1 of 4 stars; one submission).

Submission:

Labcorp Genetics (formerly Invitae), Labcorp
Classification: Uncertain significance. Last evaluated: 2021-07-28. Review status: criteria provided, single submitter. Criteria: Invitae Variant Classification Sherloc (09022015). Collection method: clinical testing. Allele origin: germline.
Comment: This sequence change replaces lysine with arginine at codon 220 of the PIGB protein (p.Lys220Arg). The lysine residue is highly conserved and there is a small physicochemical difference between lysine and arginine. This variant is not present in population databases (ExAC no frequency). This variant has not been reported in the literature in individuals affected with PIGB-related conditions. Algorithms developed to predict the effect of missense changes on protein structure and function are either unavailable or do not agree on the potential impact of this missense change (SIFT: "Tolerated"; PolyPhen-2: "Possibly Damaging"; Align-GVGD: "Class C0"). Algorithms developed to predict the effect of sequence changes on RNA splicing suggest that this variant may create or strengthen a splice site. In summary, the available evidence is currently insufficient to determine the role of this variant in disease. Therefore, it has been classified as a Variant of Uncertain Significance.